The following is an entry in ClinVar:

NM_004946.3(DOCK2):c.1259-23G>A

Gene: DOCK2 (dedicator of cytokinesis 2; plus strand). Cytogenetic location: 5q35.1.
Variant type: single nucleotide variant.
Coding change: c.1259-23G>A on transcript NM_004946.3 (MANE Select); 23 bases into the intron before coding-DNA position 1259, G replaced by A.
Molecular consequence: intron variant.
Genome position (GRCh38, 1-based): chr5:169,702,280, G>A. VCF-style: chr5-169702280-G-A. GRCh37 (hg19) VCF-style: chr5-169129284-G-A.
Identifiers: ClinVar variation 1255525 (VCV001255525.4), dbSNP rs2306560, ClinGen allele CA3553414.

ClinVar aggregate classification (germline): Benign. Review status: criteria provided, multiple submitters, no conflicts (2 of 4 stars). 2 submissions from 2 submitters: Benign (2). Last evaluated 2024-01-24.

Conditions:
DOCK2 deficiency. Also called: Immunodeficiency 40. Identifiers: Orphanet 447737, MedGen C4225328, MONDO:0014637, OMIM 616433.

Allele frequency attached by ClinVar (database versions not stated): ESP Exome Variant Server 0.24043; gnomAD exomes 0.24134 and 0.26804; gnomAD 0.25550 and 0.25632; ExAC 0.25660; 1000 Genomes Project 0.26118; 1000 Genomes Project 30x 0.26483; TOPMed 0.27241.
gnomAD v4.1: 390,834 of 1,611,236 alleles (24%); highest among the groups gnomAD compares: Admixed American, 48%; 49,964 homozygotes.

Submissions (2):

Unidad de Genómica Garrahan, Hospital de Pediatría Garrahan
Classification: Benign. Last evaluated: 2024-01-24. Review status: criteria provided, single submitter. Criteria: ACMG Guidelines, 2015. Collection method: clinical testing. Allele origin: germline. Affected: no. Observed: 68 variant alleles.
Comment: This variant is classified as Benign based on local population frequency. This variant was detected in 72% of patients studied by a panel of primary immunodeficiencies. Number of patients: 68. Only high quality variants are reported.

Genome-Nilou Lab
Classification: Benign for DOCK2 deficiency. Last evaluated: 2021-07-30. Review status: criteria provided, single submitter. Criteria: ACMG Guidelines, 2015. Collection method: clinical testing. Allele origin: germline. Affected: no.